The following is an entry in ClinVar:

ClinVar aggregate classification (germline): Conflicting classifications of pathogenicity. Review status: criteria provided, conflicting classifications (1 of 4 stars). 6 submissions from 6 submitters: Uncertain significance (2); Benign (1); Likely benign (3). Last evaluated 2025-11-08.

Conditions:
KAT6B-related disorder. Also called: KAT6B-related disorders; KAT6B-related condition.
Genitopatellar syndrome (GTPTS). Also called: ABSENT PATELLAE, SCROTAL HYPOPLASIA, RENAL ANOMALIES, FACIAL DYSMORPHISM, AND MENTAL RETARDATION; Genitopatellar syndrome (GPS). Identifiers: Orphanet 85201, MedGen C1853566, MONDO:0011640, OMIM 606170.
Inborn genetic diseases. Identifiers: MedGen C0950123, MeSH D030342.

Allele frequency attached by ClinVar (database versions not stated): gnomAD exomes 0.00008 and 0.00015; gnomAD 0.00011; TOPMed 0.00013; ESP Exome Variant Server 0.00015; ExAC 0.00021.
gnomAD v4.1: 139 of 1,613,940 alleles (0.0086%); highest among the groups gnomAD compares: Admixed American, 0.035%; no homozygotes.

Submissions (6):

Labcorp Genetics (formerly Invitae), Labcorp
Classification: Benign for Genitopatellar syndrome. Last evaluated: 2025-11-08. Review status: criteria provided, single submitter. Criteria: Invitae Variant Classification Sherloc (09022015). Collection method: clinical testing. Allele origin: germline.

Ambry Genetics
Classification: Likely benign for Inborn genetic diseases. Last evaluated: 2025-07-22. Review status: criteria provided, single submitter. Criteria: Ambry Variant Classification Scheme 2023. Collection method: clinical testing. Allele origin: germline.

Women's Health and Genetics/Laboratory Corporation of America, LabCorp
Classification: Uncertain significance. Last evaluated: 2024-10-01. Review status: criteria provided, single submitter. Criteria: LabCorp Variant Classification Summary - May 2015. Collection method: clinical testing. Allele origin: germline.
Comment: Variant summary: KAT6B c.4510G>A (p.Glu1504Lys) results in a conservative amino acid change in the encoded protein sequence. Five of five in-silico tools predict a benign effect of the variant on protein function. The variant allele was found at a frequency of 0.00015 in 251012 control chromosomes. This frequency is not significantly higher than estimated for a pathogenic variant in KAT6B causing KAT6B-Related Spectrum Disorders, allowing no conclusion about variant significance. To our knowledge, no occurrence of c.4510G>A in individuals affected with KAT6B-Related Spectrum Disorders and no experimental evidence demonstrating its impact on protein function have been reported. ClinVar contains an entry for this variant (Variation ID: 1508713). Based on the evidence outlined above, the variant was classified as uncertain significance.

CeGaT Center for Human Genetics Tuebingen
Classification: Likely benign. Last evaluated: 2024-03-01. Review status: criteria provided, single submitter. Criteria: CeGaT Center For Human Genetics Tuebingen Variant Classification Criteria Version 2. Collection method: clinical testing. Allele origin: germline. Affected: yes. Observed: 2 variant alleles.
Comment: KAT6B: BP4, BS1

Blueprint Genetics
Classification: Likely benign. Last evaluated: 2024-01-31. Review status: criteria provided, single submitter. Criteria: ACMG Guidelines, 2015. Collection method: clinical testing. Allele origin: germline.

PreventionGenetics, part of Exact Sciences
Classification: Uncertain significance for KAT6B-related condition. Last evaluated: 2023-07-18. Review status: criteria provided, single submitter. Criteria: ACMG Guidelines, 2015. Collection method: clinical testing. Allele origin: germline.
Comment: The KAT6B c.4510G>A variant is predicted to result in the amino acid substitution p.Glu1504Lys. To our knowledge, this variant has not been reported in the literature in affected individuals. This variant is reported in 0.031% of alleles in individuals of Latino descent in gnomAD. Although we suspect that this variant may be benign, at this time, the clinical significance of this variant is uncertain due to the absence of conclusive functional and genetic evidence.

NM_012330.4(KAT6B):c.4510G>A (p.Glu1504Lys)

Gene: KAT6B (lysine acetyltransferase 6B; plus strand). Cytogenetic location: 10q22.2.
Variant type: single nucleotide variant.
Coding change: c.4510G>A on transcript NM_012330.4 (MANE Select); coding-DNA position 4510, G replaced by A.
Protein change: p.Glu1504Lys; replaces glutamic acid 1504 with lysine.
Molecular consequence: missense variant.
Genome position (GRCh38, 1-based): chr10:75,029,334, G>A. VCF-style: chr10-75029334-G-A. GRCh37 (hg19) VCF-style: chr10-76789092-G-A.
Other names: c.4510G>A (NM_012330.3, NM_012330.2); c.3961G>A, p.Glu1321Lys (NM_001256468.2, NM_001370138.1); c.3634G>A, p.Glu1212Lys (NM_001256469.2, NM_001370139.1, NM_001370140.1 and 2 more transcripts); c.3472G>A, p.Glu1158Lys (NM_001370132.1); c.2821G>A, p.Glu941Lys (NM_001370133.1); c.2425G>A, p.Glu809Lys (NM_001370134.1); c.2167G>A, p.Glu723Lys (NM_001370135.1); c.4510G>A, p.Glu1504Lys (NM_001370136.1, NM_001370137.1); and 1 more; short protein forms E1149K, E1321K, E1504K, E723K, E1212K, E809K, E941K, E1158K.
Identifiers: ClinVar variation 1508713 (VCV001508713.34), dbSNP rs200393557, ClinGen allele CA5565044.
Genomic context (GRCh38, chr10:75,029,334, plus strand): 5'-TCTTGTAACAGTGAGCCCAAGGAGCTTGCTGGGGACCCTGAAGCTGTACCCGAATCTGAC[G>A]AGGAGCCACCCCCAGGAGAACAGGCACAGAAGCAGGACCAAAAGAACAGCAAGGAAGTCG-3'
Protein context (NP_036462.2, residues 1494-1514): GDPEAVPESD[Glu1504Lys]EPPPGEQAQK